The following is an entry in ClinVar:

ClinVar aggregate classification (germline): Uncertain significance (1 of 4 stars; one submission).

Submission:

GeneDx
Classification: Uncertain significance. Last evaluated: 2024-01-29. Review status: criteria provided, single submitter. Criteria: GeneDx Variant Classification Process June 2021. Collection method: clinical testing. Allele origin: germline. Affected: yes.
Comment: Not observed at significant frequency in large population cohorts (gnomAD); Frameshift variant predicted to result in protein truncation or nonsense mediated decay in a gene or region of a gene for which loss of function is not a well-established mechanism of disease; Has not been previously published as pathogenic or benign to our knowledge

NM_017636.4(TRPM4):c.36del (p.Lys13fs)

Gene: TRPM4 (transient receptor potential cation channel subfamily M member 4; plus strand). Cytogenetic location: 19q13.33.
Variant type: Deletion.
Coding change: c.36del on transcript NM_017636.4 (MANE Select); coding-DNA position 36, one base deleted (C; older notation c.36delC).
Protein change: p.Lys13fs; shifts the reading frame from lysine 13.
Molecular consequence: frameshift variant. On other transcripts: 5 prime UTR variant (3).
Genome position (GRCh38, 1-based): chr19:49,158,203, C deleted; the last of 4 consecutive C bases (chr19:49,158,200-49,158,203); deleting any one gives the same sequence. VCF-style (leftmost placement, unchanged base first): chr19-49158199-TC-T. GRCh37 (hg19) VCF-style: chr19-49661456-TC-T.
Other names: c.36del, p.Lys13fs (NM_001195227.2, NM_001321281.2); c.-1337del (NM_001321282.2); c.-131del (NM_001321283.2); c.-294del (NM_001321285.2); short protein forms K13fs.
Identifiers: ClinVar variation 3368365 (VCV003368365.1).
Genomic context (GRCh38, chr19:49,158,199, plus strand): 5'-AACTGGGTGCCCTCTCACCCCACTTCCACCCCTACATTTGTTCCTGTCCCCAGAGCTGGA[TC>T]CCCAAGATCTTCAAGAAGAAGACCTGCACGACGTTCATAGTTGACTCCACAGATCCGGGG-3'